The following is an entry in ClinVar:

ClinVar aggregate classification (germline): Uncertain significance (1 of 4 stars; one submission).

gnomAD v4.1: 12 of 1,614,036 alleles (0.00074%); highest among the groups gnomAD compares: East Asian, 0.027%; no homozygotes.

Submission:

Labcorp Genetics (formerly Invitae), Labcorp
Classification: Uncertain significance. Last evaluated: 2025-11-21. Review status: criteria provided, single submitter. Criteria: Invitae Variant Classification Sherloc (09022015). Collection method: clinical testing. Allele origin: germline.
Comment: This sequence change replaces serine, which is neutral and polar, with asparagine, which is neutral and polar, at codon 364 of the LRP2 protein (p.Ser364Asn). This variant is not present in population databases (gnomAD no frequency). This variant has not been reported in the literature in individuals affected with LRP2-related conditions. Invitae Evidence Modeling of protein sequence and biophysical properties (such as structural, functional, and spatial information, amino acid conservation, physicochemical variation, residue mobility, and thermodynamic stability) indicates that this missense variant is not expected to disrupt LRP2 protein function with a negative predictive value of 95%. In summary, the available evidence is currently insufficient to determine the role of this variant in disease. Therefore, it has been classified as a Variant of Uncertain Significance.

NM_004525.3(LRP2):c.1091G>A (p.Ser364Asn)

Gene: LRP2 (LDL receptor related protein 2; minus strand). Cytogenetic location: 2q31.1.
Variant type: single nucleotide variant.
Coding change: c.1091G>A on transcript NM_004525.3 (MANE Select); coding-DNA position 1091, G replaced by A.
Protein change: p.Ser364Asn; replaces serine 364 with asparagine.
Molecular consequence: missense variant.
Genome position (GRCh38, 1-based): chr2:169,282,953, C>T on the plus strand (G>A on the coding strand, the complement: LRP2 is on the minus strand). VCF-style: chr2-169282953-C-T. GRCh37 (hg19) VCF-style: chr2-170139463-C-T.
Other names: short protein forms S364N.
Identifiers: ClinVar variation 4775474 (VCV004775474.1).
Genomic context (GRCh38, chr2:169,282,953, plus strand): 5'-TACTGTCCACGCTCCAAGATATACCCTTCTTCACAGTGGCACAGGTGACGGCCAGGTCGG[C>T]TTTCACACTTCTGGTCACAAATTCCCCATATCTGGCAATCATCAAACTCTGCCATATGGA-3'
Protein context (NP_004516.2, residues 354-374): IWGICDQKCE[Ser364Asn]RPGRHLCHCE